The following is an entry in ClinVar:

ClinVar aggregate classification (germline): Conflicting classifications of pathogenicity. Review status: criteria provided, conflicting classifications (1 of 4 stars). 7 submissions from 6 submitters: Pathogenic (1); Likely pathogenic (1); Uncertain significance (4). 1 of the submissions does not count toward it. Last evaluated 2026-01-20.

Conditions:
Retinitis pigmentosa 12 (RP12). Also called: RP WITH OR WITHOUT PRESERVED PARAARTERIOLE RETINAL PIGMENT EPITHELIUM; RETINITIS PIGMENTOSA WITH OR WITHOUT PARAARTERIOLAR PRESERVATION OF RETINAL PIGMENT EPITHELIUM; RP WITH OR WITHOUT PPRPE. Identifiers: Orphanet 791, MedGen C1838647, MONDO:0010818, OMIM 600105.
Leber congenital amaurosis 8 (LCA8). Identifiers: Orphanet 65, MedGen C3151202, MONDO:0013453, OMIM 613835.
Leber congenital amaurosis (LCA). Also called: Leber's amaurosis. Identifiers: Orphanet 65, MedGen C0339527, MeSH D057130, MONDO:0018998.
Retinitis pigmentosa (RP). Identifiers: Orphanet 791, MedGen C0035334, MeSH D012174, MONDO:0019200, OMIM 268000. Inheritance: Autosomal dominant, autosomal recessive and X linked inheritance.
CRB1-related disorder. Also called: CRB1-related condition; CRB1-related disorders.

Allele frequency attached by ClinVar (database versions not stated): gnomAD exomes 0.00001 and 0.00003; ExAC 0.00005; gnomAD 0.00015 and 0.00017; TOPMed 0.00017; ESP Exome Variant Server 0.00023.
gnomAD v4.1: 39 of 1,613,856 alleles (0.0024%); highest among the groups gnomAD compares: African/African-American, 0.047%; no homozygotes.

Submissions (7):

PreventionGenetics, part of Exact Sciences
Classification: Uncertain significance for CRB1-related condition. Last evaluated: 2026-01-20. Review status: criteria provided, single submitter. Criteria: ACMG Guidelines, 2015. Collection method: clinical testing. Allele origin: germline.
Comment: The CRB1 c.2225T>C variant is predicted to result in the amino acid substitution p.Phe742Ser. To our knowledge, this variant has not been reported in the literature. This variant is reported in 0.044% of alleles in individuals of African descent in gnomAD. At this time, the clinical significance of this variant is uncertain due to the absence of conclusive functional and genetic evidence.

Labcorp Genetics (formerly Invitae), Labcorp
Classification: Pathogenic for Leber congenital amaurosis 8; Retinitis pigmentosa 12. Last evaluated: 2025-10-29. Review status: criteria provided, single submitter. Criteria: Invitae Variant Classification Sherloc (09022015). Collection method: clinical testing. Allele origin: germline.
Comment: This sequence change replaces phenylalanine, which is neutral and non-polar, with serine, which is neutral and polar, at codon 742 of the CRB1 protein (p.Phe742Ser). This variant is present in population databases (rs140494140, gnomAD 0.05%). This missense change has been observed in individual(s) with CRB1-related conditions (internal data). In at least one individual the data is consistent with being in trans (on the opposite chromosome) from a pathogenic variant. ClinVar contains an entry for this variant (Variation ID: 294675). Invitae Evidence Modeling of protein sequence and biophysical properties (such as structural, functional, and spatial information, amino acid conservation, physicochemical variation, residue mobility, and thermodynamic stability) has been performed for this missense variant. However, the output from this modeling did not meet the statistical confidence thresholds required to predict the impact of this variant on CRB1 protein function. For these reasons, this variant has been classified as Pathogenic.

Dasa
Classification: Uncertain significance for Retinitis pigmentosa 12. Last evaluated: 2025-07-10. Review status: criteria provided, single submitter. Criteria: DASA Assertion Criteria. Collection method: clinical testing. Allele origin: germline.
Comment: NM_201253.3(CRB1):c.2225T>C (p.Phe742Ser) is a missense variant that results in the substitution of phenylalanine with serine. The affected residue or protein region has prior evidence supporting clinical relevance. This variant has been observed in affected individuals with CRB1-related disorders. Also, this variant is rare in population databases. The currently available literature and clinical evidence are not sufficient to establish a definitive association between this variant and the reported condition. Therefore, this variant is classified as a variant of uncertain significance.

Blueprint Genetics
Classification: Likely pathogenic for CRB1-related disorders. Last evaluated: 2018-08-01. Review status: criteria provided, single submitter. Criteria: ACMG Guidelines, 2015. Collection method: clinical testing. Allele origin: germline. Affected: yes. Observed: 2 variant alleles.

Illumina Laboratory Services, Illumina
Classification: Uncertain significance for Retinitis pigmentosa. Last evaluated: 2018-01-12. Review status: criteria provided, single submitter. Criteria: ICSL Variant Classification Criteria 13 December 2019. Collection method: clinical testing. Allele origin: germline.

Illumina Laboratory Services, Illumina
Classification: Uncertain significance for Leber congenital amaurosis 8. Last evaluated: 2018-01-12. Review status: criteria provided, single submitter. Criteria: ICSL Variant Classification Criteria 13 December 2019. Collection method: clinical testing. Allele origin: germline.

Natera, Inc.
Classification: Uncertain significance for Leber congenital amaurosis. Last evaluated: 2019-11-11. Review status: no assertion criteria provided. Collection method: clinical testing. Allele origin: germline. Not counted in ClinVar's aggregate classification.

NM_201253.3(CRB1):c.2225T>C (p.Phe742Ser)

Gene: CRB1 (crumbs cell polarity complex component 1; plus strand). Cytogenetic location: 1q31.3.
Variant type: single nucleotide variant.
Coding change: c.2225T>C on transcript NM_201253.3 (MANE Select); coding-DNA position 2225, T replaced by C.
Protein change: p.Phe742Ser; replaces phenylalanine 742 with serine.
Molecular consequence: missense variant. On other transcripts: non-coding transcript variant (2), intron variant (1).
Genome position (GRCh38, 1-based): chr1:197,427,550, T>C. VCF-style: chr1-197427550-T-C. GRCh37 (hg19) VCF-style: chr1-197396680-T-C.
Other names: c.1889T>C, p.Phe630Ser (NM_001193640.2); c.2018T>C, p.Phe673Ser (NM_001257965.2); c.2128+5594T>C (NM_001257966.2); short protein forms F742S, F630S, F673S.
Identifiers: ClinVar variation 294675 (VCV000294675.17), dbSNP rs140494140, ClinGen allele CA1312077.